The following is an entry in ClinVar:

ClinVar aggregate classification (germline): Conflicting classifications of pathogenicity. Review status: criteria provided, conflicting classifications (1 of 4 stars). 2 submissions from 2 submitters: Uncertain significance (1); Likely benign (1). Last evaluated 2025-12-16.

Conditions:
Charcot-Marie-Tooth disease type 2. Also called: Charcot-Marie-Tooth type 2. Identifiers: Orphanet 64746, MedGen C0270914, MONDO:0018993.

Allele frequency attached by ClinVar (database versions not stated): ExAC 0.00002; gnomAD exomes 0.00001.
gnomAD v4.1: 17 of 1,614,182 alleles (0.0011%); highest among the groups gnomAD compares: Middle Eastern, 0.016%; no homozygotes.

Submissions (2):

Labcorp Genetics (formerly Invitae), Labcorp
Classification: Likely benign for Charcot-Marie-Tooth disease type 2. Last evaluated: 2025-12-16. Review status: criteria provided, single submitter. Criteria: Invitae Variant Classification Sherloc (09022015). Collection method: clinical testing. Allele origin: germline.

Women's Health and Genetics/Laboratory Corporation of America, LabCorp
Classification: Uncertain significance. Last evaluated: 2025-07-02. Review status: criteria provided, single submitter. Criteria: LabCorp Variant Classification Summary - May 2015. Collection method: clinical testing. Allele origin: germline.
Comment: Variant summary: AARS1 c.2673G>A alters a conserved nucleotide resulting in a synonymous change. Several computational tools predict a significant impact on normal splicing: Four of four tools predict the variant creates a cryptic 3' acceptor site. However, these predictions have yet to be confirmed by functional studies. The variant allele was found at a frequency of 2.4e-05 in 251372 control chromosomes. The available data on variant occurrences in the general population are insufficient to allow any conclusion about variant significance. To our knowledge, no occurrence of c.2673G>A in individuals affected with Developmental and epileptic encephalopathy, 29 and no experimental evidence demonstrating its impact on protein function have been reported. ClinVar contains an entry for this variant (Variation ID: 1978886). Based on the evidence outlined above, the variant was classified as uncertain significance.

NM_001605.3(AARS1):c.2673G>A (p.Thr891=)

Gene: AARS1 (alanyl-tRNA synthetase 1; minus strand). Cytogenetic location: 16q22.1.
Variant type: single nucleotide variant.
Coding change: c.2673G>A on transcript NM_001605.3 (MANE Select); coding-DNA position 2673, G replaced by A.
Protein change: p.Thr891=; no amino-acid change (threonine 891 retained).
Molecular consequence: synonymous variant.
Genome position (GRCh38, 1-based): chr16:70,253,316, C>T on the plus strand (G>A on the coding strand, the complement: AARS1 is on the minus strand). VCF-style: chr16-70253316-C-T. GRCh37 (hg19) VCF-style: chr16-70287219-C-T.
Identifiers: ClinVar variation 1978886 (VCV001978886.6), dbSNP rs762556251, ClinGen allele CA8140311.
Genomic context (GRCh38, chr16:70,253,316, plus strand): 5'-GGTGGTGCTGACCTGGGGAACTTGACACAGGCACGTGATCTTGCCAGCCTCATTGTCCAC[C>T]GTGAAGAGCATGGCAGAAGTCTGAGGGGAGTGCATCTTGAAGAGCTTCAAGGCTTCATTC-3'
Protein context (NP_001596.2, residues 881-901): HSPQTSAMLF[Thr891=]VDNEAGKITC